The following is an entry in ClinVar:

ClinVar aggregate classification (germline): Uncertain significance (1 of 4 stars; one submission).

Conditions:
Autosomal recessive limb-girdle muscular dystrophy type 2E (LGMDR4). Also called: MUSCULAR DYSTROPHY, LIMB-GIRDLE, AUTOSOMAL RECESSIVE 4. Identifiers: Orphanet 119, MedGen C1858593, MONDO:0011423, OMIM 604286. Disease mechanism: Affects gamma-sarcoglycan and also disrupts the integrity of the entire sarcoglycan complex..

Allele frequency attached by ClinVar (database versions not stated): gnomAD exomes below 0.00001; TOPMed below 0.00001; gnomAD 0.00001.
gnomAD v4.1: 2 of 1,269,176 alleles (0.00016%); highest among the groups gnomAD compares: Non-Finnish European, 0.0002%; no homozygotes.

Submission:

Labcorp Genetics (formerly Invitae), Labcorp
Classification: Uncertain significance for Autosomal recessive limb-girdle muscular dystrophy type 2E. Last evaluated: 2022-08-09. Review status: criteria provided, single submitter. Criteria: Invitae Variant Classification Sherloc (09022015). Collection method: clinical testing. Allele origin: germline.
Comment: This sequence change falls in intron 1 of the SGCB gene. It does not directly change the encoded amino acid sequence of the SGCB protein. It affects a nucleotide within the consensus splice site. This variant is not present in population databases (gnomAD no frequency). This variant has not been reported in the literature in individuals affected with SGCB-related conditions. Variants that disrupt the consensus splice site are a relatively common cause of aberrant splicing (PMID: 17576681, 9536098). Algorithms developed to predict the effect of sequence changes on RNA splicing suggest that this variant is not likely to affect RNA splicing. In summary, the available evidence is currently insufficient to determine the role of this variant in disease. Therefore, it has been classified as a Variant of Uncertain Significance.

Literature cited by the submitters: PubMed 17576681; PubMed 9536098.

NM_000232.5(SGCB):c.33+4T>C

Genes: SGCB (sarcoglycan beta; minus strand), LOC129992585 (ATAC-STARR-seq lymphoblastoid silent region 15421; plus strand). Cytogenetic location: 4q12.
Variant type: single nucleotide variant.
Coding change: c.33+4T>C on transcript NM_000232.5 (MANE Select); 4 bases into the intron after coding-DNA position 33, T replaced by C.
Molecular consequence: intron variant.
Genome position (GRCh38, 1-based): chr4:52,038,223, A>G on the plus strand (T>C on the coding strand, the complement: SGCB is on the minus strand). VCF-style: chr4-52038223-A-G. GRCh37 (hg19) VCF-style: chr4-52904389-A-G.
Identifiers: ClinVar variation 2169363 (VCV002169363.1), dbSNP rs1737452134, ClinGen allele CA1062454457.